The following is an entry in ClinVar:

ClinVar aggregate classification (germline): Uncertain significance (0 of 4 stars; one submission).

Conditions:
Autism (AUTS). Also called: Autistic disorder of childhood onset; Autistic disorder. Identifiers: MedGen C0004352, MeSH D001321, MONDO:0005260, OMIM 209850, HP:0000717.

Submission:

Centre for Addiction & Mental Health
Classification: Uncertain significance for Autism. Review status: no assertion criteria provided. Collection method: research. Allele origin: biparental. Affected: yes. Observed: 1 homozygote. Segregation with disease observed.
Comment: Gene not previously associated with disease; independent supporting evidence needed

NM_173632.4(ZNF776):c.934del (p.Arg312fs)

Gene: ZNF776 (zinc finger protein 776; plus strand). Cytogenetic location: 19q13.43.
Variant type: Deletion.
Coding change: c.934del on transcript NM_173632.4 (MANE Select); coding-DNA position 934, one base deleted (C; older notation c.934delC).
Protein change: p.Arg312fs; shifts the reading frame from arginine 312.
Molecular consequence: frameshift variant. On other transcripts: non-coding transcript variant (2), intron variant (1).
Genome position (GRCh38, 1-based): chr19:57,754,064, C deleted. VCF-style (leftmost placement, unchanged base first): chr19-57754063-GC-G. GRCh37 (hg19) VCF-style: chr19-58265431-GC-G.
Other names: c.249+685del (NM_001348007.2); c.934delC (NM_173632.4); short protein forms R312fs.
Identifiers: ClinVar variation 3338216 (VCV003338216.2).